The following is an entry in ClinVar:

NM_001429.4(EP300):c.4205A>T (p.His1402Leu)

Gene: EP300 (EP300 lysine acetyltransferase; plus strand). Cytogenetic location: 22q13.2.
Variant type: single nucleotide variant.
Coding change: c.4205A>T on transcript NM_001429.4 (MANE Select); coding-DNA position 4205, A replaced by T.
Protein change: p.His1402Leu; replaces histidine 1402 with leucine.
Molecular consequence: missense variant.
Genome position (GRCh38, 1-based): chr22:41,169,535, A>T. VCF-style: chr22-41169535-A-T. GRCh37 (hg19) VCF-style: chr22-41565539-A-T.
Other names: c.4127A>T, p.His1376Leu (NM_001362843.2); short protein forms H1402L, H1376L.
Identifiers: ClinVar variation 4996007 (VCV004996007.1).

ClinVar aggregate classification (germline): Uncertain significance (1 of 4 stars; one submission).

Conditions:
EP300-related disorder. Also called: EP300-related condition; EP300-related disorders.

Submission:

PreventionGenetics, part of Exact Sciences
Classification: Uncertain significance for EP300-related condition. Last evaluated: 2026-04-21. Review status: criteria provided, single submitter. Criteria: ACMG Guidelines, 2015. Collection method: clinical testing. Allele origin: germline.
Comment: The EP300 c.4205A>T variant is predicted to result in the amino acid substitution p.His1402Leu. To our knowledge, this variant has not been reported in the literature or in a large population database (gnomAD), indicating this variant is rare. At this time, the clinical significance of this variant is uncertain due to the absence of conclusive functional and genetic evidence.